The following is an entry in ClinVar:

ClinVar aggregate classification (germline): Conflicting classifications of pathogenicity. Review status: criteria provided, conflicting classifications (1 of 4 stars). 4 submissions from 4 submitters: Uncertain significance (1); Likely benign (2). 1 of the submissions does not count toward it. Last evaluated 2026-05-13.

Conditions:
RREB1-related disorder. Also called: RREB1-related condition.

Allele frequency attached by ClinVar (database versions not stated): gnomAD exomes 0.00019 and 0.00049; ExAC 0.00068; gnomAD 0.00212 and 0.00237; 1000 Genomes Project 30x 0.00234; TOPMed 0.00259; 1000 Genomes Project 0.00220; ESP Exome Variant Server 0.00261.
gnomAD v4.1: 612 of 1,614,168 alleles (0.038%); highest among the groups gnomAD compares: African/African-American, 0.76%; 3 homozygotes.

Submissions (4):

Women's Health and Genetics/Laboratory Corporation of America, LabCorp
Classification: Likely benign. Last evaluated: 2026-05-13. Review status: criteria provided, single submitter. Criteria: LabCorp Variant Classification Summary - May 2015. Collection method: clinical testing. Allele origin: germline.

Ambry Genetics
Classification: Uncertain significance. Last evaluated: 2025-10-02. Review status: criteria provided, single submitter. Criteria: Ambry Variant Classification Scheme 2023. Collection method: clinical testing. Allele origin: germline.

Labcorp Genetics (formerly Invitae), Labcorp
Classification: Likely benign. Last evaluated: 2019-12-31. Review status: criteria provided, single submitter. Criteria: Invitae Variant Classification Sherloc (09022015). Collection method: clinical testing. Allele origin: germline.

PreventionGenetics, part of Exact Sciences
Classification: Benign for RREB1-related condition. Last evaluated: 2019-05-22. Review status: no assertion criteria provided. Collection method: clinical testing. Allele origin: germline. Not counted in ClinVar's aggregate classification.
Comment: This variant is classified as benign based on ACMG/AMP sequence variant interpretation guidelines (Richards et al. 2015 PMID: 25741868, with internal and published modifications).

NM_001003699.4(RREB1):c.2905C>T (p.Pro969Ser)

Gene: RREB1 (ras responsive element binding protein 1; plus strand). Cytogenetic location: 6p24.3.
Variant type: single nucleotide variant.
Coding change: c.2905C>T on transcript NM_001003699.4 (MANE Select); coding-DNA position 2905, C replaced by T.
Protein change: p.Pro969Ser; replaces proline 969 with serine.
Molecular consequence: missense variant.
Genome position (GRCh38, 1-based): chr6:7,231,004, C>T. VCF-style: chr6-7231004-C-T. GRCh37 (hg19) VCF-style: chr6-7231237-C-T.
Other names: c.2905C>T, p.Pro969Ser (NM_001003698.4, NM_001003700.2, NM_001168344.2); short protein forms P969S.
Identifiers: ClinVar variation 734808 (VCV000734808.8), dbSNP rs114810122, ClinGen allele CA3625980.